The following is an entry in ClinVar:

ClinVar aggregate classification (germline): Uncertain significance. Review status: criteria provided, multiple submitters, no conflicts (2 of 4 stars). 2 submissions from 2 submitters: Uncertain significance (2). Last evaluated 2025-04-23.

Conditions:
Hereditary cancer-predisposing syndrome. Also called: Neoplastic Syndromes, Hereditary; Tumor predisposition; Hereditary Cancer Syndrome; Hereditary neoplastic syndrome. Identifiers: Orphanet 140162, MedGen C0027672, MeSH D009386, MONDO:0015356.
Familial adenomatous polyposis 1 (FAP1). Also called: FAMILIAL ADENOMATOUS POLYPOSIS 1, ATTENUATED; POLYPOSIS, ADENOMATOUS INTESTINAL. Identifiers: MedGen C2713442, MONDO:0021056, OMIM 175100. Disease mechanism: loss of function.

Submissions (2):

Labcorp Genetics (formerly Invitae), Labcorp
Classification: Uncertain significance for Familial adenomatous polyposis 1. Last evaluated: 2025-04-23. Review status: criteria provided, single submitter. Criteria: Invitae Variant Classification Sherloc (09022015). Collection method: clinical testing. Allele origin: germline.
Comment: This sequence change replaces glycine, which is neutral and non-polar, with arginine, which is basic and polar, at codon 265 of the APC protein (p.Gly265Arg). This variant is not present in population databases (gnomAD no frequency). This variant has not been reported in the literature in individuals affected with APC-related conditions. ClinVar contains an entry for this variant (Variation ID: 2774613). Invitae Evidence Modeling of protein sequence and biophysical properties (such as structural, functional, and spatial information, amino acid conservation, physicochemical variation, residue mobility, and thermodynamic stability) indicates that this missense variant is not expected to disrupt APC protein function with a negative predictive value of 95%. In summary, the available evidence is currently insufficient to determine the role of this variant in disease. Therefore, it has been classified as a Variant of Uncertain Significance.

Color Diagnostics, LLC DBA Color Health
Classification: Uncertain significance for Hereditary cancer-predisposing syndrome. Last evaluated: 2022-03-21. Review status: criteria provided, single submitter. Criteria: ACMG Guidelines, 2015. Collection method: clinical testing. Allele origin: germline.
Comment: This missense variant replaces glycine with arginine at codon 265 of the APC protein. Computational prediction is inconclusive regarding the impact of this variant on protein structure and function (internally defined REVEL score threshold 0.5 < inconclusive < 0.7, PMID: 27666373). To our knowledge, functional studies have not been reported for this variant. This variant has not been reported in individuals affected with hereditary cancer in the literature. This variant has not been identified in the general population by the Genome Aggregation Database (gnomAD). The available evidence is insufficient to determine the role of this variant in disease conclusively. Therefore, this variant is classified as a Variant of Uncertain Significance.

NM_000038.6(APC):c.793G>A (p.Gly265Arg)

Gene: APC (APC regulator of Wnt signaling pathway; plus strand). Cytogenetic location: 5q22.2.
Variant type: single nucleotide variant.
Coding change: c.793G>A on transcript NM_000038.6 (MANE Select); coding-DNA position 793, G replaced by A.
Protein change: p.Gly265Arg; replaces glycine 265 with arginine.
Molecular consequence: missense variant. On other transcripts: 5 prime UTR variant (4), non-coding transcript variant (2).
Genome position (GRCh38, 1-based): chr5:112,801,342, G>A. VCF-style: chr5-112801342-G-A. GRCh37 (hg19) VCF-style: chr5-112137039-G-A.
Other names: c.793G>A, p.Gly265Arg (NM_001127510.3, NM_001354895.2, NM_001354896.2 and 12 more transcripts); c.739G>A, p.Gly247Arg (NM_001127511.3); c.823G>A, p.Gly275Arg (NM_001354897.2, NM_001354902.2, NM_001407446.1); c.718G>A, p.Gly240Arg (NM_001354898.2, NM_001354904.2, NM_001407451.1); c.709G>A, p.Gly237Arg (NM_001354899.2, NM_001407452.1, NM_001407467.1 and 1 more transcripts); c.616G>A, p.Gly206Arg (NM_001354900.2, NM_001354901.2, NM_001354905.2 and 1 more transcripts); c.-243G>A (NM_001354906.2, NM_001407470.1, NM_001407471.1 and 1 more transcripts); short protein forms G247R, G265R, G206R, G237R, G240R, G275R.
Identifiers: ClinVar variation 2774613 (VCV002774613.5), dbSNP rs2149712106, ClinGen allele CA16023065.